The following is an entry in ClinVar:

NM_201384.3(PLEC):c.9806A>G (p.Glu3269Gly)

Gene: PLEC (plectin; minus strand). Cytogenetic location: 8q24.3.
Variant type: single nucleotide variant.
Coding change: c.9806A>G on transcript NM_201384.3 (MANE Select); coding-DNA position 9806, A replaced by G.
Protein change: p.Glu3269Gly; replaces glutamic acid 3269 with glycine.
Molecular consequence: missense variant.
Genome position (GRCh38, 1-based): chr8:143,920,015, T>C on the plus strand (A>G on the coding strand, the complement: PLEC is on the minus strand). VCF-style: chr8-143920015-T-C. GRCh37 (hg19) VCF-style: chr8-144994183-T-C.
Other names: c.9887A>G, p.Glu3296Gly (NM_000445.5); c.9764A>G, p.Glu3255Gly (NM_201378.4); c.9740A>G, p.Glu3247Gly (NM_201379.3); c.10217A>G, p.Glu3406Gly (NM_201380.4); c.9710A>G, p.Glu3237Gly (NM_201381.3); c.9806A>G, p.Glu3269Gly (NM_201382.4); c.9818A>G, p.Glu3273Gly (NM_201383.3); short protein forms E3273G, E3296G, E3406G, E3237G, E3247G, E3269G, E3255G.
Identifiers: ClinVar variation 1414412 (VCV001414412.6), dbSNP rs1554680213, ClinGen allele CA372506579.

ClinVar aggregate classification (germline): Uncertain significance (1 of 4 stars; one submission).

Conditions:
Epidermolysis bullosa simplex 5B, with muscular dystrophy (EBS5B). Also called: EPIDERMOLYSIS BULLOSA SIMPLEX AND LIMB-GIRDLE MUSCULAR DYSTROPHY; Epidermolysis bullosa simplex with muscular dystrophy. Identifiers: Orphanet 257, MedGen C2931072, MONDO:0009181, OMIM 226670.
Epidermolysis bullosa simplex, Ogna type (EBS5A). Also called: EPIDERMOLYSIS BULLOSA SIMPLEX 5A, OGNA TYPE; Pidermolysis bullosa simplex 5A, Ogna type. Identifiers: Orphanet 79401, MedGen C0432317, MONDO:0007555, OMIM 131950.
Epidermolysis bullosa simplex with nail dystrophy (EBS5D). Identifiers: MedGen C4225309, MONDO:0014661, OMIM 616487.
Autosomal recessive limb-girdle muscular dystrophy type 2Q (LGMDR17). Also called: MUSCULAR DYSTROPHY, LIMB-GIRDLE, AUTOSOMAL RECESSIVE 17. Identifiers: Orphanet 254361, MedGen C3150989, MONDO:0013390, OMIM 613723.
Epidermolysis bullosa simplex 5C, with pyloric atresia (EBS5C). Also called: Epidermolysis bullosa simplex with pyloric atresia; PLEC-Related Epidermolysis Bullosa with Pyloric Atresia; PLEC1-Related Epidermolysis Bullosa with Pyloric Atresia. Identifiers: Orphanet 158684, MedGen C2677349, MONDO:0012807, OMIM 612138.

Submission:

Labcorp Genetics (formerly Invitae), Labcorp
Classification: Uncertain significance for Autosomal recessive limb-girdle muscular dystrophy type 2Q; Epidermolysis bullosa simplex, Ogna type; Epidermolysis bullosa simplex with nail dystrophy; Epidermolysis bullosa simplex 5C, with pyloric atresia; Epidermolysis bullosa simplex 5B, with muscular dystrophy. Last evaluated: 2023-01-13. Review status: criteria provided, single submitter. Criteria: Invitae Variant Classification Sherloc (09022015). Collection method: clinical testing. Allele origin: germline.
Comment: In summary, the available evidence is currently insufficient to determine the role of this variant in disease. Therefore, it has been classified as a Variant of Uncertain Significance. Algorithms developed to predict the effect of missense changes on protein structure and function (SIFT, PolyPhen-2, Align-GVGD) all suggest that this variant is likely to be disruptive. ClinVar contains an entry for this variant (Variation ID: 1414412). This variant has not been reported in the literature in individuals affected with PLEC-related conditions. The frequency data for this variant in the population databases is considered unreliable, as metrics indicate poor data quality at this position in the gnomAD database. This sequence change replaces glutamic acid, which is acidic and polar, with glycine, which is neutral and non-polar, at codon 3296 of the PLEC protein (p.Glu3296Gly).